The following is an entry in ClinVar:

NM_031935.3(HMCN1):c.16810C>T (p.Arg5604Cys)

Gene: HMCN1 (hemicentin 1; plus strand). Cytogenetic location: 1q31.1.
Variant type: single nucleotide variant.
Coding change: c.16810C>T on transcript NM_031935.3 (MANE Select); coding-DNA position 16810, C replaced by T.
Protein change: p.Arg5604Cys; replaces arginine 5604 with cysteine.
Molecular consequence: missense variant.
Genome position (GRCh38, 1-based): chr1:186,189,780, C>T. VCF-style: chr1-186189780-C-T. GRCh37 (hg19) VCF-style: chr1-186158912-C-T.
Other names: short protein forms R5604C.
Identifiers: ClinVar variation 2162060 (VCV002162060.4), dbSNP rs755982979, ClinGen allele CA1295654.

ClinVar aggregate classification (germline): Uncertain significance (1 of 4 stars; one submission).

Allele frequency attached by ClinVar (database versions not stated): ExAC 0.00006; gnomAD 0.00006; TOPMed 0.00007.
gnomAD v4.1: 96 of 1,613,614 alleles (0.0059%); highest among the groups gnomAD compares: South Asian, 0.019%; no homozygotes.

Submission:

Labcorp Genetics (formerly Invitae), Labcorp
Classification: Uncertain significance. Last evaluated: 2025-03-05. Review status: criteria provided, single submitter. Criteria: Invitae Variant Classification Sherloc (09022015). Collection method: clinical testing. Allele origin: germline.
Comment: This sequence change replaces arginine, which is basic and polar, with cysteine, which is neutral and slightly polar, at codon 5604 of the HMCN1 protein (p.Arg5604Cys). This variant is present in population databases (rs755982979, gnomAD 0.02%). This variant has not been reported in the literature in individuals affected with HMCN1-related conditions. ClinVar contains an entry for this variant (Variation ID: 2162060). An algorithm developed to predict the effect of missense changes on protein structure and function (PolyPhen-2) suggests that this variant is likely to be disruptive. In summary, the available evidence is currently insufficient to determine the role of this variant in disease. Therefore, it has been classified as a Variant of Uncertain Significance.